The following is an entry in ClinVar:

ClinVar aggregate classification (germline): Likely benign (1 of 4 stars; one submission).

Conditions:
LRRC45-related disorder. Also called: LRRC45-related condition.

gnomAD v4.1: 1 of 1,541,938 alleles (0.000065%); highest among the groups gnomAD compares: African/African-American, 0.0014%; no homozygotes.

Submission:

PreventionGenetics, part of Exact Sciences
Classification: Likely benign for LRRC45-related condition. Last evaluated: 2026-07-06. Review status: criteria provided, single submitter. Criteria: ACMG Guidelines, 2015. Collection method: clinical testing. Allele origin: germline.
Comment: This variant is classified as likely benign based on ACMG/AMP sequence variant interpretation guidelines (Richards et al. 2015 PMID: 25741868, with internal and published modifications).

NM_144999.4(LRRC45):c.1495-8G>T

Gene: LRRC45 (leucine rich repeat containing 45; plus strand). Cytogenetic location: 17q25.3.
Variant type: single nucleotide variant.
Coding change: c.1495-8G>T on transcript NM_144999.4 (MANE Select); 8 bases into the intron before coding-DNA position 1495, G replaced by T.
Molecular consequence: intron variant.
Genome position (GRCh38, 1-based): chr17:82,030,057, G>T. VCF-style: chr17-82030057-G-T. GRCh37 (hg19) VCF-style: chr17-79987933-G-T.
Identifiers: ClinVar variation 4986428 (VCV004986428.1).